The following is an entry in ClinVar:

ClinVar aggregate classification (germline): Likely pathogenic (1 of 4 stars; one submission).

Submission:

GeneDx
Classification: Likely pathogenic. Last evaluated: 2024-05-15. Review status: criteria provided, single submitter. Criteria: GeneDx Variant Classification Process June 2021. Collection method: clinical testing. Allele origin: germline. Affected: yes.
Comment: Alters the last nucleotide of the exon and is predicted to destroy the splice donor site and result in aberrant splicing, although in the absence of functional evidence the actual effect of this sequence change is unknown; Not observed at significant frequency in large population cohorts (gnomAD); This variant is associated with the following publications: (PMID: 36399134)

NM_019023.5(PRMT7):c.391+5G>C

Gene: PRMT7 (protein arginine methyltransferase 7; plus strand). Cytogenetic location: 16q22.1.
Variant type: single nucleotide variant.
Coding change: c.391+5G>C on transcript NM_019023.5 (MANE Select); 5 bases into the intron after coding-DNA position 391, G replaced by C.
Molecular consequence: intron variant.
Genome position (GRCh38, 1-based): chr16:68,329,179, G>C. VCF-style: chr16-68329179-G-C. GRCh37 (hg19) VCF-style: chr16-68363082-G-C.
Other names: c.154+5G>C (NM_001378022.1, NM_001378021.1, NM_001378023.1); c.391+5G>C (NM_001351143.3, NM_001351144.3, NM_001378018.1 and 1 more transcripts); c.241+5G>C (NM_001184824.4); c.184+4347G>C (NM_001378020.1).
Identifiers: ClinVar variation 1305249 (VCV001305249.3), dbSNP rs2151559206, ClinGen allele CA2573054261.